The following is an entry in ClinVar:

NM_015073.3(SIPA1L3):c.2255G>A (p.Arg752Gln)

Gene: SIPA1L3 (signal induced proliferation associated 1 like 3; plus strand). Cytogenetic location: 19q13.13.
Variant type: single nucleotide variant.
Coding change: c.2255G>A on transcript NM_015073.3 (MANE Select); coding-DNA position 2255, G replaced by A.
Protein change: p.Arg752Gln; replaces arginine 752 with glutamine.
Molecular consequence: missense variant.
Genome position (GRCh38, 1-based): chr19:38,110,348, G>A. VCF-style: chr19-38110348-G-A. GRCh37 (hg19) VCF-style: chr19-38600988-G-A.
Other names: short protein forms R752Q.
Identifiers: ClinVar variation 2972550 (VCV002972550.3), dbSNP rs200090564, ClinGen allele CA9409639.
Genomic context (GRCh38, chr19:38,110,348, plus strand): 5'-CGCTACCGTTCACCCCCAAGAACATCCGCTCCCACTTCCAGCACGTCTTCATCATTGTCC[G>A]AGTCCACAACCCCTGCACTGATAACGTCTGTTACAGGTATGCCCCCCACACCCGGCCCCC-3'
Protein context (NP_055888.1, residues 742-762): SHFQHVFIIV[Arg752Gln]VHNPCTDNVC

ClinVar aggregate classification (germline): Uncertain significance (1 of 4 stars; one submission).

Allele frequency attached by ClinVar (database versions not stated): gnomAD exomes 0.00003; gnomAD 0.00004; ExAC 0.00007; TOPMed 0.00008; 1000 Genomes Project 0.00020; 1000 Genomes Project 30x 0.00031.
gnomAD v4.1: 53 of 1,614,000 alleles (0.0033%); highest among the groups gnomAD compares: East Asian, 0.078%; no homozygotes.

Submission:

Labcorp Genetics (formerly Invitae), Labcorp
Classification: Uncertain significance. Last evaluated: 2023-01-22. Review status: criteria provided, single submitter. Criteria: Invitae Variant Classification Sherloc (09022015). Collection method: clinical testing. Allele origin: germline.
Comment: In summary, the available evidence is currently insufficient to determine the role of this variant in disease. Therefore, it has been classified as a Variant of Uncertain Significance. Algorithms developed to predict the effect of missense changes on protein structure and function are either unavailable or do not agree on the potential impact of this missense change (SIFT: "Tolerated"; PolyPhen-2: "Probably Damaging"; Align-GVGD: "Class C0"). This variant has not been reported in the literature in individuals affected with SIPA1L3-related conditions. This variant is present in population databases (rs200090564, gnomAD 0.08%), and has an allele count higher than expected for a pathogenic variant. This sequence change replaces arginine, which is basic and polar, with glutamine, which is neutral and polar, at codon 752 of the SIPA1L3 protein (p.Arg752Gln).